The following is an entry in ClinVar:

ClinVar aggregate classification (germline): Uncertain significance (1 of 4 stars; one submission).

Conditions:
Tuberous sclerosis 2 (TSC2). Identifiers: Orphanet 805, MedGen C1860707, MONDO:0013199, OMIM 613254.

gnomAD v4.1: 1 of 1,608,290 alleles (0.000062%); highest among the groups gnomAD compares: Non-Finnish European, 0.000085%; no homozygotes.

Submission:

Labcorp Genetics (formerly Invitae), Labcorp
Classification: Uncertain significance for Tuberous sclerosis 2. Last evaluated: 2022-06-26. Review status: criteria provided, single submitter. Criteria: Invitae Variant Classification Sherloc (09022015). Collection method: clinical testing. Allele origin: germline.
Comment: Algorithms developed to predict the effect of sequence changes on RNA splicing suggest that this variant may create or strengthen a splice site. In summary, the available evidence is currently insufficient to determine the role of this variant in disease. Therefore, it has been classified as a Variant of Uncertain Significance. This variant has not been reported in the literature in individuals affected with TSC2-related conditions. This sequence change falls in intron 37 of the TSC2 gene. It does not directly change the encoded amino acid sequence of the TSC2 protein. This variant is not present in population databases (gnomAD no frequency).

NM_000548.5(TSC2):c.4850-19C>A

Gene: TSC2 (TSC complex subunit 2; plus strand). Cytogenetic location: 16p13.3.
Variant type: single nucleotide variant.
Coding change: c.4850-19C>A on transcript NM_000548.5 (MANE Select); 19 bases into the intron before coding-DNA position 4850, C replaced by A.
Molecular consequence: intron variant.
Genome position (GRCh38, 1-based): chr16:2,086,713, C>A. VCF-style: chr16-2086713-C-A. GRCh37 (hg19) VCF-style: chr16-2136714-C-A.
Other names: c.4781-19C>A (NM_001114382.3); c.4721-19C>A (NM_021055.3, NM_001370405.1); c.4652-19C>A (NM_001363528.2); c.4718-19C>A (NM_001370404.1); c.4649-19C>A (NM_001077183.3); c.4541-19C>A (NM_001318827.2); c.4118-19C>A (NM_001318831.2); c.4505-19C>A (NM_001318829.2); and 1 more.
Identifiers: ClinVar variation 1908924 (VCV001908924.5), dbSNP rs45517376, ClinGen allele CA2580091076.